The following is an entry in ClinVar:

NM_000179.3(MSH6):c.2935C>T (p.Leu979=)

Gene: MSH6 (mutS homolog 6; plus strand). Cytogenetic location: 2p16.3.
Variant type: single nucleotide variant.
Coding change: c.2935C>T on transcript NM_000179.3 (MANE Select); coding-DNA position 2935, C replaced by T.
Protein change: p.Leu979=; no amino-acid change (leucine 979 retained).
Molecular consequence: synonymous variant.
Genome position (GRCh38, 1-based): chr2:47,800,918, C>T. VCF-style: chr2-47800918-C-T. GRCh37 (hg19) VCF-style: chr2-48028057-C-T.
Other names: c.2545C>T, p.Leu849= (NM_001281492.2); c.2029C>T, p.Leu677= (NM_001281493.2, NM_001281494.2).
Identifiers: ClinVar variation 479970 (VCV000479970.38), dbSNP rs1356451622, ClinGen allele CA426122056.

ClinVar aggregate classification (germline): Conflicting classifications of pathogenicity. Review status: criteria provided, conflicting classifications (1 of 4 stars). 7 submissions from 7 submitters: Uncertain significance (1); Benign (1); Likely benign (5). Last evaluated 2025-01-02.

Conditions:
Hereditary nonpolyposis colorectal neoplasms. Identifiers: MedGen C0009405, MeSH D003123.
Hereditary cancer-predisposing syndrome. Also called: Hereditary neoplastic syndrome; Tumor predisposition; Neoplastic Syndromes, Hereditary; Hereditary Cancer Syndrome. Identifiers: Orphanet 140162, MedGen C0027672, MeSH D009386, MONDO:0015356.
Lynch syndrome 5 (LYNCH5). Also called: Hereditary non-polyposis colorectal cancer, type 5; Colorectal cancer, hereditary nonpolyposis, type 5. Identifiers: Orphanet 144, MedGen C1833477, MONDO:0013710, OMIM 614350. Disease mechanism: loss of function.

gnomAD v4.1: 5 of 1,579,574 alleles (0.00032%); highest among the groups gnomAD compares: Middle Eastern, 0.017%; no homozygotes.

Submissions (7):

Myriad Genetics, Inc.
Classification: Benign for Lynch syndrome 5. Last evaluated: 2025-01-02. Review status: criteria provided, single submitter. Criteria: Myriad Autosomal Dominant, Autosomal Recessive and X-Linked Classification Criteria (2023). Collection method: clinical testing. Allele origin: unknown.
Comment: This variant is considered benign. This variant is a silent/synonymous amino acid change and it is not expected to impact splicing.

Labcorp Genetics (formerly Invitae), Labcorp
Classification: Likely benign for Hereditary nonpolyposis colorectal neoplasms. Last evaluated: 2024-08-12. Review status: criteria provided, single submitter. Criteria: Invitae Variant Classification Sherloc (09022015). Collection method: clinical testing. Allele origin: germline.

CeGaT Center for Human Genetics Tuebingen
Classification: Likely benign. Last evaluated: 2024-04-01. Review status: criteria provided, single submitter. Criteria: CeGaT Center For Human Genetics Tuebingen Variant Classification Criteria Version 2. Collection method: clinical testing. Allele origin: germline. Affected: yes. Observed: 1 variant allele.
Comment: MSH6: PM2:Supporting, BP4, BP7

Blueprint Genetics
Classification: Likely benign. Last evaluated: 2024-01-04. Review status: criteria provided, single submitter. Criteria: ACMG Guidelines, 2015. Collection method: clinical testing. Allele origin: germline.

Quest Diagnostics Nichols Institute San Juan Capistrano
Classification: Uncertain significance. Last evaluated: 2023-09-21. Review status: criteria provided, single submitter. Criteria: Quest Diagnostics criteria. Collection method: clinical testing. Allele origin: unknown.
Comment: To the best of our knowledge, this variant has not been reported in individuals with MSH6-related conditions in the published literature. It also has not been reported in large, multi-ethnic general populations (Genome Aggregation Database). Analysis of this variant using software algorithms for the prediction of the effect of nucleotide changes on splicing yielded predictions that this variant does not affect MSH6 mRNA splicing . Based on the available information, we are unable to determine the clinical significance of this variant.

Color Diagnostics, LLC DBA Color Health
Classification: Likely benign for Hereditary cancer-predisposing syndrome. Last evaluated: 2019-08-21. Review status: criteria provided, single submitter. Criteria: ACMG Guidelines, 2015. Collection method: clinical testing. Allele origin: germline.

Ambry Genetics
Classification: Likely benign for Hereditary cancer-predisposing syndrome. Last evaluated: 2017-06-19. Review status: criteria provided, single submitter. Criteria: Ambry Variant Classification Scheme 2023. Collection method: clinical testing. Allele origin: germline.